The following is an entry in ClinVar:

NM_001875.5(CPS1):c.3959A>T (p.Asp1320Val)

Gene: CPS1 (carbamoyl-phosphate synthase 1; plus strand). Cytogenetic location: 2q34.
Variant type: single nucleotide variant.
Coding change: c.3959A>T on transcript NM_001875.5 (MANE Select); coding-DNA position 3959, A replaced by T.
Protein change: p.Asp1320Val; replaces aspartic acid 1320 with valine.
Molecular consequence: missense variant. On other transcripts: non-coding transcript variant (2).
Genome position (GRCh38, 1-based): chr2:210,663,154, A>T. VCF-style: chr2-210663154-A-T. GRCh37 (hg19) VCF-style: chr2-211527878-A-T.
Other names: c.3959A>T, p.Asp1320Val (NM_001122633.3, NM_001369257.1); c.3992A>T, p.Asp1331Val (NM_001369256.1); short protein forms D1320V, D1331V.
Identifiers: ClinVar variation 2581404 (VCV002581404.1), dbSNP rs2469340119, ClinGen allele CA350439313.
Genomic context (GRCh38, chr2:210,663,154, plus strand): 5'-TTTCTCCCTGTTTTTTTTTTTTCCAACAGGCTCCCATGTTTTCCTGGCCCCGGTTGAGGG[A>T]TGCTGACCCCATTCTGAGATGTGAGATGGCTTCCACTGGAGAGGTAACTAGTTAATAATC-3'
Protein context (NP_001866.2, residues 1310-1330): APMFSWPRLR[Asp1320Val]ADPILRCEMA

ClinVar aggregate classification (germline): Uncertain significance (1 of 4 stars; one submission).

Allele frequency attached by ClinVar (database versions not stated): gnomAD exomes below 0.00001.
gnomAD v4.1: 1 of 1,611,852 alleles (0.000062%); highest among the groups gnomAD compares: Admixed American, 0.0017%; no homozygotes.

Submission:

Women's Health and Genetics/Laboratory Corporation of America, LabCorp
Classification: Uncertain significance. Last evaluated: 2023-08-28. Review status: criteria provided, single submitter. Criteria: LabCorp Variant Classification Summary - May 2015. Collection method: clinical testing. Allele origin: germline.
Comment: Variant summary: CPS1 c.3959A>T (p.Asp1320Val) results in a non-conservative amino acid change in the encoded protein sequence. Five of five in-silico tools predict a damaging effect of the variant on protein function. The variant was absent in 251416 control chromosomes (gnomAD). c.3959A>T has been reported in the literature in at least one homozygous individual affected with Carbamoylphosphate Synthetase I Deficiency (e.g., Isler_2020, Makris_2021). These data indicate that the variant may be associated with disease. To our knowledge, no experimental evidence demonstrating an impact on protein function has been reported. The following publications have been ascertained in the context of this evaluation (PMID: 32154057, 33309754). No submitters have reported clinical-significance assessments for this variant to ClinVar after 2014. Based on the evidence outlined above, the variant was classified as VUS-possibly pathogenic.

Literature cited by the submitters: PubMed 33309754; PubMed 32154057.